The following is an entry in ClinVar:

NC_000023.11:g.(?_22114458)_(22114586_?)del

Gene: PHEX (phosphate regulating endopeptidase X-linked; plus strand). Cytogenetic location: Xp22.11.
Variant type: Deletion.
Identifiers: ClinVar variation 832195 (VCV000832195.1).

ClinVar aggregate classification (germline): Pathogenic (1 of 4 stars; one submission).

Submission:

Labcorp Genetics (formerly Invitae), Labcorp
Classification: Pathogenic. Last evaluated: 2019-10-03. Review status: criteria provided, single submitter. Criteria: Invitae Variant Classification Sherloc (09022015). Collection method: clinical testing. Allele origin: germline.
Comment: This variant is an in-frame deletion of the genomic region encompassing exon 11 of the PHEX gene. It preserves the integrity of the reading frame. This variant has been observed in individuals affected with hypophosphatemia (PMID: 30298485, Invitae). This variant disrupts the p.Cys406Arg amino acid residue in PHEX. Other variant(s) that disrupt this residue have been determined to be pathogenic (PMID: 24756041, 29505567, 23079138, 29460029). This suggests that this residue is clinically significant, and that variants that disrupt this residue are likely to be disease-causing. For these reasons, this variant has been classified as Pathogenic.

Literature cited by the submitters: PubMed 30298485; PubMed 29460029; PubMed 23079138; PubMed 29505567; PubMed 24756041.